The following is an entry in ClinVar:

ClinVar aggregate classification (germline): Uncertain significance (1 of 4 stars; one submission).

Conditions:
Charcot-Marie-Tooth disease, demyelinating, IIA 1I. Also called: CHARCOT-MARIE-TOOTH NEUROPATHY, TYPE 1I; Charcot-Marie-Tooth disease, demyelinating, type 1I. Identifiers: MedGen C5676914, MONDO:0030677, OMIM 619742.

Submission:

Molecular Diagnostics Lab, Nemours Children's Health, Delaware
Classification: Uncertain significance for Charcot-Marie-Tooth disease, demyelinating, IIA 1I. Last evaluated: 2020-12-28. Review status: criteria provided, single submitter. Criteria: ACMG Guidelines, 2015. Collection method: clinical testing. Allele origin: unknown. Inheritance: Autosomal recessive inheritance. Affected: yes. Observed: 2 compound heterozygotes.
Comment: This missense variant (c.2644A>C, p.Lys882Gln) has not been observed in population databases (gnomAD) or reported in the literature. Variant prediction programs suggest a deleterious effect, but no functional studies have been published.

NM_018082.6(POLR3B):c.2644A>C (p.Lys882Gln)

Gene: POLR3B (RNA polymerase III subunit B; plus strand). Cytogenetic location: 12q23.3.
Variant type: single nucleotide variant.
Coding change: c.2644A>C on transcript NM_018082.6 (MANE Select); coding-DNA position 2644, A replaced by C.
Protein change: p.Lys882Gln; replaces lysine 882 with glutamine.
Molecular consequence: missense variant.
Genome position (GRCh38, 1-based): chr12:106,463,551, A>C. VCF-style: chr12-106463551-A-C. GRCh37 (hg19) VCF-style: chr12-106857329-A-C.
Other names: c.2470A>C, p.Lys824Gln (NM_001160708.2); short protein forms K824Q, K882Q.
Identifiers: ClinVar variation 3336790 (VCV003336790.2).